The following is an entry in ClinVar:

NM_001386298.1(CIC):c.2935C>T (p.Gln979Ter)

Gene: CIC (capicua transcriptional repressor; plus strand). Cytogenetic location: 19q13.2.
Variant type: single nucleotide variant.
Coding change: c.2935C>T on transcript NM_001386298.1 (MANE Select); coding-DNA position 2935, C replaced by T.
Protein change: p.Gln979Ter; replaces glutamine 979 with a stop codon.
Molecular consequence: nonsense.
Genome position (GRCh38, 1-based): chr19:42,286,911, C>T. VCF-style: chr19-42286911-C-T. GRCh37 (hg19) VCF-style: chr19-42791063-C-T.
Other names: c.2935C>T, p.Gln979Ter (NM_001304815.2, NM_001379480.1, NM_001379482.1 and 1 more transcripts); c.208C>T, p.Gln70Ter (NM_001379484.1, NM_001379485.1, NM_015125.5); short protein forms Q70*, Q979*.
Identifiers: ClinVar variation 3066220 (VCV003066220.1), dbSNP rs2513800857, ClinGen allele CA406096312.

ClinVar aggregate classification (germline): Uncertain significance (1 of 4 stars; one submission).

Conditions:
Intellectual developmental disorder, autosomal dominant 45. Also called: MENTAL RETARDATION, AUTOSOMAL DOMINANT 45; Intellectual disability, autosomal dominant 45. Identifiers: MedGen C4539848, MONDO:0030910, OMIM 617600.

Submission:

MVZ Medizinische Genetik Mainz
Classification: Uncertain significance for Intellectual developmental disorder, autosomal dominant 45. Last evaluated: 2022-04-08. Review status: criteria provided, single submitter. Criteria: UK Practice Guidelines For Variant Classification V4 01 2020. Collection method: clinical testing. Allele origin: germline. Inheritance: Autosomal dominant inheritance. Affected: yes. Observed: 1 variant allele.
Comment: ACMG Criteria: PVS1_MOD, PM2_SUP (ACMG Version 3)